The following is an entry in ClinVar:

NM_001355436.2(SPTB):c.3935G>A (p.Trp1312Ter)

Gene: SPTB (spectrin beta, erythrocytic; minus strand). Cytogenetic location: 14q23.3.
Variant type: single nucleotide variant.
Coding change: c.3935G>A on transcript NM_001355436.2 (MANE Select); coding-DNA position 3935, G replaced by A.
Protein change: p.Trp1312Ter; replaces tryptophan 1312 with a stop codon.
Molecular consequence: nonsense.
Genome position (GRCh38, 1-based): chr14:64,784,314, C>T on the plus strand (G>A on the coding strand, the complement: SPTB is on the minus strand). VCF-style: chr14-64784314-C-T. GRCh37 (hg19) VCF-style: chr14-65251032-C-T.
Other names: c.3935G>A, p.Trp1312Ter (NM_001024858.4, NM_001355437.2); short protein forms W1312*.
Identifiers: ClinVar variation 1325137 (VCV001325137.5), dbSNP rs140446828, ClinGen allele CA390045378.
Genomic context (GRCh38, chr14:64,784,314, plus strand): 5'-ATGTTCTCTAGCCACCCTTCATGGGAAGCCAGCTCTGCCACAAACGCCTGGTGCTTTAGC[C>T]ATTTATTGTGAAGGTTTCGTGCTTCATCATAGGAGACATCCTGAGATGTCAGCAGCTTGT-3'

ClinVar aggregate classification (germline): Pathogenic/Likely pathogenic. Review status: criteria provided, multiple submitters, no conflicts (2 of 4 stars). 2 submissions from 2 submitters: Pathogenic (1); Likely pathogenic (1). Last evaluated 2025-09-01.

Submissions (2):

Labcorp Genetics (formerly Invitae), Labcorp
Classification: Pathogenic. Last evaluated: 2025-09-01. Review status: criteria provided, single submitter. Criteria: Invitae Variant Classification Sherloc (09022015). Collection method: clinical testing. Allele origin: germline.
Comment: This sequence change creates a premature translational stop signal (p.Trp1312*) in the SPTB gene. It is expected to result in an absent or disrupted protein product. Loss-of-function variants in SPTB are known to be pathogenic (PMID: 1391962, 1498324, 8844207, 26830532, 27292444). This variant is not present in population databases (gnomAD no frequency). This premature translational stop signal has been observed in individual(s) with hereditary spherocytosis (PMID: 32436265). ClinVar contains an entry for this variant (Variation ID: 1325137). For these reasons, this variant has been classified as Pathogenic.

Revvity Omics, Revvity
Classification: Likely pathogenic. Last evaluated: 2021-07-23. Review status: criteria provided, single submitter. Criteria: ACMG Guidelines, 2015. Collection method: clinical testing. Allele origin: germline.

Literature cited by the submitters: PubMed 1391962 (cited by Labcorp Genetics (formerly Invitae), Labcorp); PubMed 1498324 (cited by Labcorp Genetics (formerly Invitae), Labcorp); PubMed 8844207 (cited by Labcorp Genetics (formerly Invitae), Labcorp); PubMed 26830532 (cited by Labcorp Genetics (formerly Invitae), Labcorp); PubMed 27292444 (cited by Labcorp Genetics (formerly Invitae), Labcorp); PubMed 32436265 (cited by Labcorp Genetics (formerly Invitae), Labcorp).